The following is an entry in ClinVar:

NM_016284.5(CNOT1):c.5829T>C (p.Ile1943=)

Gene: CNOT1 (CCR4-NOT transcription complex subunit 1; minus strand). Cytogenetic location: 16q21.
Variant type: single nucleotide variant.
Coding change: c.5829T>C on transcript NM_016284.5 (MANE Select); coding-DNA position 5829, T replaced by C.
Protein change: p.Ile1943=; no amino-acid change (isoleucine 1943 retained).
Molecular consequence: synonymous variant. On other transcripts: non-coding transcript variant (1).
Genome position (GRCh38, 1-based): chr16:58,534,213, A>G on the plus strand (T>C on the coding strand, the complement: CNOT1 is on the minus strand). VCF-style: chr16-58534213-A-G. GRCh37 (hg19) VCF-style: chr16-58568117-A-G.
Other names: c.5814T>C, p.Ile1938= (NM_001265612.2); c.5829T>C (NM_016284.4).
Identifiers: ClinVar variation 786944 (VCV000786944.12), dbSNP rs16960223, ClinGen allele CA8088820.

ClinVar aggregate classification (germline): Benign. Review status: criteria provided, multiple submitters, no conflicts (2 of 4 stars). 4 submissions from 4 submitters: Benign (3). 1 of the submissions does not count toward it. Last evaluated 2026-01-28.

Conditions:
CNOT1-related disorder. Also called: CNOT1-related condition.

Allele frequency attached by ClinVar (database versions not stated): gnomAD exomes 0.00170 and 0.00455; ExAC 0.00550; gnomAD 0.01759 and 0.01882; ESP Exome Variant Server 0.01839; 1000 Genomes Project 0.01937; TOPMed 0.01971; 1000 Genomes Project 30x 0.02217.
gnomAD v4.1: 5,283 of 1,614,188 alleles (0.33%); highest among the groups gnomAD compares: African/African-American, 6.2%; 146 homozygotes.

Submissions (4):

Labcorp Genetics (formerly Invitae), Labcorp
Classification: Benign. Last evaluated: 2026-01-28. Review status: criteria provided, single submitter. Criteria: Invitae Variant Classification Sherloc (09022015). Collection method: clinical testing. Allele origin: germline.

GeneDx
Classification: Benign. Last evaluated: 2021-05-05. Review status: criteria provided, single submitter. Criteria: GeneDx Variant Classification Process June 2021. Collection method: clinical testing. Allele origin: germline. Affected: yes.

Breakthrough Genomics
Classification: Benign. Review status: criteria provided, single submitter. Criteria: ACMG Guidelines, 2015. Collection method: not provided. Allele origin: germline. Inheritance: Autosomal dominant inheritance. Affected: yes.

PreventionGenetics, part of Exact Sciences
Classification: Benign for CNOT1-related condition. Last evaluated: 2019-03-14. Review status: no assertion criteria provided. Collection method: clinical testing. Allele origin: germline. Not counted in ClinVar's aggregate classification.
Comment: This variant is classified as benign based on ACMG/AMP sequence variant interpretation guidelines (Richards et al. 2015 PMID: 25741868, with internal and published modifications).